The following is an entry in ClinVar:

NM_001042492.3(NF1):c.5540C>G (p.Pro1847Arg)

Gene: NF1 (neurofibromin 1; plus strand). Cytogenetic location: 17q11.2.
Variant type: single nucleotide variant.
Coding change: c.5540C>G on transcript NM_001042492.3 (MANE Select); coding-DNA position 5540, C replaced by G.
Protein change: p.Pro1847Arg; replaces proline 1847 with arginine.
Molecular consequence: missense variant.
Genome position (GRCh38, 1-based): chr17:31,327,770, C>G. VCF-style: chr17-31327770-C-G. GRCh37 (hg19) VCF-style: chr17-29654788-C-G.
Other names: c.5477C>G, p.Pro1826Arg (NM_000267.4); short protein forms P1826R, P1847R.
Identifiers: ClinVar variation 481971 (VCV000481971.6), dbSNP rs1555533631, ClinGen allele CA399009819.
Genomic context (GRCh38, chr17:31,327,770, plus strand): 5'-TCCGGACCCGCTGGGAACTGTCACAGCCCGACTCTATCCCCCAACACACCAAGATTCGGC[C>G]AAAAGATGTCCCTGGGACACTGCTCAATATCGCATTACTTAATTTAGGCAGTTCTGACCC-3'
Protein context (NP_001035957.1, residues 1837-1857): DSIPQHTKIR[Pro1847Arg]KDVPGTLLNI

ClinVar aggregate classification (germline): Uncertain significance (1 of 4 stars; one submission).

Conditions:
Hereditary cancer-predisposing syndrome. Also called: Neoplastic Syndromes, Hereditary; Hereditary neoplastic syndrome; Hereditary Cancer Syndrome; Tumor predisposition. Identifiers: Orphanet 140162, MedGen C0027672, MeSH D009386, MONDO:0015356.
Cardiovascular phenotype. Identifiers: MedGen CN230736.

Submission:

Ambry Genetics
Classification: Uncertain significance for Cardiovascular phenotype; Hereditary cancer-predisposing syndrome. Last evaluated: 2026-07-23. Review status: criteria provided, single submitter. Criteria: Ambry Variant Classification Scheme 2023. Collection method: clinical testing. Allele origin: germline.
Comment: The p.P1826R variant (also known as c.5477C>G), located in coding exon 37 of the NF1 gene, results from a C to G substitution at nucleotide position 5477. The proline at codon 1826 is replaced by arginine, an amino acid with dissimilar properties. This amino acid position is highly conserved in available vertebrate species. In addition, this alteration is predicted to be deleterious by in silico analysis. Since supporting evidence is limited at this time, the clinical significance of this alteration remains unclear.